The following is an entry in ClinVar:

ClinVar aggregate classification (germline): Conflicting classifications of pathogenicity. Review status: criteria provided, conflicting classifications (1 of 4 stars). 5 submissions from 5 submitters: Uncertain significance (1); Benign (3); Likely benign (1). Last evaluated 2025-10-13.

Conditions:
Autosomal recessive nonsyndromic hearing loss 30. Identifiers: Orphanet 90636, MedGen C1846784, MONDO:0011774, OMIM 607101.

Allele frequency attached by ClinVar (database versions not stated): gnomAD exomes 0.00056; ExAC 0.00075; gnomAD 0.00217 and 0.00236; TOPMed 0.00240; 1000 Genomes Project 0.00280; 1000 Genomes Project 30x 0.00328; ESP Exome Variant Server 0.00338.
gnomAD v4.1: 608 of 1,613,586 alleles (0.038%); highest among the groups gnomAD compares: African/African-American, 0.71%; 2 homozygotes.

Submissions (5):

Labcorp Genetics (formerly Invitae), Labcorp
Classification: Benign. Last evaluated: 2025-10-13. Review status: criteria provided, single submitter. Criteria: Invitae Variant Classification Sherloc (09022015). Collection method: clinical testing. Allele origin: germline.

Blueprint Genetics
Classification: Likely benign. Last evaluated: 2024-11-13. Review status: criteria provided, single submitter. Criteria: ACMG Guidelines, 2015. Collection method: clinical testing. Allele origin: germline.

Illumina Laboratory Services, Illumina
Classification: Uncertain significance for Autosomal recessive nonsyndromic hearing loss 30. Last evaluated: 2018-01-13. Review status: criteria provided, single submitter. Criteria: ICSL Variant Classification Criteria 13 December 2019. Collection method: clinical testing. Allele origin: germline.

Laboratory for Molecular Medicine, Mass General Brigham Personalized Medicine
Classification: Benign. Last evaluated: 2012-04-30. Review status: criteria provided, single submitter. Criteria: LMM Criteria. Collection method: clinical testing. Allele origin: germline. Observed: 3 variant alleles.
Comment: Gln1530Leu in Exon 34 of MYO3A: This variant is not expected to have clinical si gnificance because it has been identified in 1.0% (37/3738) of African American chromosomes from a broad population by the NHLBI Exome Sequencing Project (dbSNP rs147749053).

PreventionGenetics, part of Exact Sciences
Classification: Benign. Review status: criteria provided, single submitter. Criteria: ACMG Guidelines, 2015. Collection method: clinical testing. Allele origin: germline.

NM_017433.5(MYO3A):c.4589A>T (p.Gln1530Leu)

Gene: MYO3A (myosin IIIA; plus strand). Cytogenetic location: 10p12.1.
Variant type: single nucleotide variant.
Coding change: c.4589A>T on transcript NM_017433.5 (MANE Select); coding-DNA position 4589, A replaced by T.
Protein change: p.Gln1530Leu; replaces glutamine 1530 with leucine.
Molecular consequence: missense variant.
Genome position (GRCh38, 1-based): chr10:26,202,966, A>T. VCF-style: chr10-26202966-A-T. GRCh37 (hg19) VCF-style: chr10-26491895-A-T.
Other names: short protein forms Q1530L.
Identifiers: ClinVar variation 178472 (VCV000178472.17), dbSNP rs147749053, ClinGen allele CA182397.